The following is an entry in ClinVar:

ClinVar aggregate classification (germline): Likely benign. Review status: criteria provided, multiple submitters, no conflicts (2 of 4 stars). 2 submissions from 2 submitters: Likely benign (2). Last evaluated 2026-09-01.

Conditions:
Inborn genetic diseases. Identifiers: MedGen C0950123, MeSH D030342.

Allele frequency attached by ClinVar (database versions not stated): 1000 Genomes Project 30x 0.00016; 1000 Genomes Project 0.00020; ESP Exome Variant Server 0.00041; gnomAD 0.00059; TOPMed 0.00059; ExAC 0.00075; gnomAD exomes 0.00087.

Submissions (2):

CeGaT Center for Human Genetics Tuebingen
Classification: Likely benign. Last evaluated: 2026-09-01. Review status: criteria provided, single submitter. Criteria: CeGaT Center For Human Genetics Tuebingen Variant Classification Criteria Version 2. Collection method: clinical testing. Allele origin: germline. Affected: yes. Observed: 2 variant alleles.
Comment: BAZ2B: BS1

Ambry Genetics
Classification: Likely benign for Inborn genetic diseases. Last evaluated: 2021-07-19. Review status: criteria provided, single submitter. Criteria: Ambry Variant Classification Scheme 2023. Collection method: clinical testing. Allele origin: germline.

NM_013450.4(BAZ2B):c.5532C>G (p.Cys1844Trp)

Gene: BAZ2B (bromodomain adjacent to zinc finger domain 2B; minus strand). Cytogenetic location: 2q24.2.
Variant type: single nucleotide variant.
Coding change: c.5532C>G on transcript NM_013450.4 (MANE Select); coding-DNA position 5532, C replaced by G.
Protein change: p.Cys1844Trp; replaces cysteine 1844 with tryptophan.
Molecular consequence: missense variant.
Genome position (GRCh38, 1-based): chr2:159,337,695, G>C on the plus strand (C>G on the coding strand, the complement: BAZ2B is on the minus strand). VCF-style: chr2-159337695-G-C. GRCh37 (hg19) VCF-style: chr2-160194206-G-C.
Other names: c.5424C>G, p.Cys1808Trp (NM_001289975.1); c.5370C>G, p.Cys1790Trp (NM_001329857.2); c.5457C>G, p.Cys1819Trp (NM_001329858.2); short protein forms C1790W, C1819W, C1844W, C1808W.
Identifiers: ClinVar variation 3133111 (VCV003133111.3), dbSNP rs202012948, ClinGen allele CA1923860.
Genomic context (GRCh38, chr2:159,337,695, plus strand): 5'-CCGTTCTAGTGCATGTGCACTGCTTTCGTCTTCGCCAGTAAATTCTCCATCATGCTCCTT[G>C]CACAATTTAGTAAATGATTTATGTTCAAAATATACCAAGTCCTCCCTTTCTGATGCAGGC-3'
Protein context (NP_038478.2, residues 1834-1854): YFEHKSFTKL[Cys1844Trp]KEHDGEFTGE